The following is an entry in ClinVar:

NM_000260.4(MYO7A):c.2314A>G (p.Thr772Ala)

Gene: MYO7A (myosin VIIA; plus strand). Cytogenetic location: 11q13.5.
Variant type: single nucleotide variant.
Coding change: c.2314A>G on transcript NM_000260.4 (MANE Select); coding-DNA position 2314, A replaced by G.
Protein change: p.Thr772Ala; replaces threonine 772 with alanine.
Molecular consequence: missense variant.
Genome position (GRCh38, 1-based): chr11:77,179,076, A>G. VCF-style: chr11-77179076-A-G. GRCh37 (hg19) VCF-style: chr11-76890122-A-G.
Other names: c.2314A>G, p.Thr772Ala (NM_001127180.2); c.2281A>G, p.Thr761Ala (NM_001369365.1); short protein forms T761A, T772A.
Identifiers: ClinVar variation 2135116 (VCV002135116.4), dbSNP rs2497162406, ClinGen allele CA381940890.

ClinVar aggregate classification (germline): Uncertain significance (1 of 4 stars; one submission).

Allele frequency attached by ClinVar (database versions not stated): gnomAD exomes below 0.00001.
gnomAD v4.1: 2 of 1,609,398 alleles (0.00012%); highest among the groups gnomAD compares: African/African-American, 0.0013%; no homozygotes.

Submission:

Labcorp Genetics (formerly Invitae), Labcorp
Classification: Uncertain significance. Last evaluated: 2022-05-07. Review status: criteria provided, single submitter. Criteria: Invitae Variant Classification Sherloc (09022015). Collection method: clinical testing. Allele origin: germline.
Comment: In summary, the available evidence is currently insufficient to determine the role of this variant in disease. Therefore, it has been classified as a Variant of Uncertain Significance. Advanced modeling of protein sequence and biophysical properties (such as structural, functional, and spatial information, amino acid conservation, physicochemical variation, residue mobility, and thermodynamic stability) performed at Invitae indicates that this missense variant is not expected to disrupt MYO7A protein function. This variant has not been reported in the literature in individuals affected with MYO7A-related conditions. This variant is not present in population databases (gnomAD no frequency). This sequence change replaces threonine, which is neutral and polar, with alanine, which is neutral and non-polar, at codon 772 of the MYO7A protein (p.Thr772Ala).